The following is an entry in ClinVar:

ClinVar aggregate classification (germline): Uncertain significance. Review status: criteria provided, multiple submitters, no conflicts (2 of 4 stars). 2 submissions from 2 submitters: Uncertain significance (2). Last evaluated 2026-02-17.

Conditions:
Inborn genetic diseases. Identifiers: MedGen C0950123, MeSH D030342.

Allele frequency attached by ClinVar (database versions not stated): gnomAD 0.00003; TOPMed 0.00004; gnomAD exomes 0.00010; ESP Exome Variant Server 0.00016; ExAC 0.00018.
gnomAD v4.1: 111 of 1,603,432 alleles (0.0069%); highest among the groups gnomAD compares: South Asian, 0.059%; no homozygotes.

Submissions (2):

Ambry Genetics
Classification: Uncertain significance for Inborn genetic diseases. Last evaluated: 2026-02-17. Review status: criteria provided, single submitter. Criteria: Ambry Variant Classification Scheme 2023. Collection method: clinical testing. Allele origin: germline.

Labcorp Genetics (formerly Invitae), Labcorp
Classification: Uncertain significance. Last evaluated: 2025-04-17. Review status: criteria provided, single submitter. Criteria: Invitae Variant Classification Sherloc (09022015). Collection method: clinical testing. Allele origin: germline.
Comment: This sequence change replaces serine, which is neutral and polar, with glycine, which is neutral and non-polar, at codon 170 of the TJP2 protein (p.Ser170Gly). This variant is present in population databases (rs368217372, gnomAD 0.06%). This variant has not been reported in the literature in individuals affected with TJP2-related conditions. Invitae Evidence Modeling of protein sequence and biophysical properties (such as structural, functional, and spatial information, amino acid conservation, physicochemical variation, residue mobility, and thermodynamic stability) indicates that this missense variant is not expected to disrupt TJP2 protein function with a negative predictive value of 80%. In summary, the available evidence is currently insufficient to determine the role of this variant in disease. Therefore, it has been classified as a Variant of Uncertain Significance.

NM_004817.4(TJP2):c.508A>G (p.Ser170Gly)

Gene: TJP2 (tight junction protein 2; plus strand). Cytogenetic location: 9q21.11.
Variant type: single nucleotide variant.
Coding change: c.508A>G on transcript NM_004817.4 (MANE Select); coding-DNA position 508, A replaced by G.
Protein change: p.Ser170Gly; replaces serine 170 with glycine.
Molecular consequence: missense variant.
Genome position (GRCh38, 1-based): chr9:69,221,052, A>G. VCF-style: chr9-69221052-A-G. GRCh37 (hg19) VCF-style: chr9-71835968-A-G.
Other names: c.508A>G, p.Ser170Gly (LRG_1201t1, NM_001369872.1, NM_001369873.1 and 1 more transcripts); c.439A>G, p.Ser147Gly (NM_001170414.2, NM_001369870.1, NM_001369871.1); c.520A>G, p.Ser174Gly (NM_001170415.1, NM_001369874.1, NM_001369875.1); c.601A>G, p.Ser201Gly (NM_001170416.2); short protein forms S170G, S201G, S147G, S174G.
Identifiers: ClinVar variation 4691693 (VCV004691693.2), dbSNP rs368217372.
Genomic context (GRCh38, chr9:69,221,052, plus strand): 5'-AGTTTCCGGAGTGGCTACAGCGAGAGGAGCCGGCTGAACAGCCATGGGGGGCGCAGCCGC[A>G]GCTGGGAGGACAGCCCGGAAAGGGGGCGTCCCCATGAGCGGGCCCGGAGCCGGGAGCGGG-3'
Protein context (NP_004808.2, residues 160-180): RLNSHGGRSR[Ser170Gly]WEDSPERGRP